The following is an entry in ClinVar:

ClinVar aggregate classification (germline): Uncertain significance (1 of 4 stars; one submission).

Conditions:
Dilated cardiomyopathy 1J (CMD1J). Also called: CARDIOMYOPATHY, DILATED, WITH SENSORINEURAL HEARING LOSS, AUTOSOMAL DOMINANT. Identifiers: Orphanet 217622, MedGen C1854368, MONDO:0011541, OMIM 605362.

Submission:

Labcorp Genetics (formerly Invitae), Labcorp
Classification: Uncertain significance for Dilated cardiomyopathy 1J. Last evaluated: 2021-10-14. Review status: criteria provided, single submitter. Criteria: Invitae Variant Classification Sherloc (09022015). Collection method: clinical testing. Allele origin: germline.
Comment: This sequence change replaces glycine with tryptophan at codon 602 of the EYA4 protein (p.Gly602Trp). The glycine residue is highly conserved and there is a large physicochemical difference between glycine and tryptophan. This variant is not present in population databases (ExAC no frequency). This variant has not been reported in the literature in individuals affected with EYA4-related conditions. Algorithms developed to predict the effect of missense changes on protein structure and function (SIFT, PolyPhen-2, Align-GVGD) all suggest that this variant is likely to be disruptive. In summary, the available evidence is currently insufficient to determine the role of this variant in disease. Therefore, it has been classified as a Variant of Uncertain Significance.

NM_004100.5(EYA4):c.1804G>T (p.Gly602Trp)

Genes: EYA4 (EYA transcriptional coactivator and phosphatase 4; plus strand), TARID (TCF21 antisense RNA inducing promoter demethylation; minus strand). Cytogenetic location: 6q23.2.
Variant type: single nucleotide variant.
Coding change: c.1804G>T on transcript NM_004100.5 (MANE Select); coding-DNA position 1804, G replaced by T.
Protein change: p.Gly602Trp; replaces glycine 602 with tryptophan.
Molecular consequence: missense variant. On other transcripts: intron variant (3).
Genome position (GRCh38, 1-based): chr6:133,525,219, G>T. VCF-style: chr6-133525219-G-T. GRCh37 (hg19) VCF-style: chr6-133846357-G-T.
Other names: c.1822G>T, p.Gly608Trp (NM_001301013.2); c.1660G>T, p.Gly554Trp (NM_001370459.1); c.1735G>T, p.Gly579Trp (NM_172103.4); c.1839+104G>T (NM_172105.4); c.1770+104G>T (NM_001370458.1); c.1677+104G>T (NM_001301012.2); short protein forms G579W, G554W, G602W, G608W.
Identifiers: ClinVar variation 1496840 (VCV001496840.6), dbSNP rs2128817494, ClinGen allele CA365700816.